The following is an entry in ClinVar:

NM_001386135.1(AFF3):c.1548del (p.Ser517fs)

Gene: AFF3 (ALF transcription elongation factor 3; minus strand). Cytogenetic location: 2q11.2.
Variant type: Deletion.
Coding change: c.1548del on transcript NM_001386135.1 (MANE Select); coding-DNA position 1548, one base deleted (C; older notation c.1548delC).
Protein change: p.Ser517fs; shifts the reading frame from serine 517.
Molecular consequence: frameshift variant.
Genome position (GRCh38, 1-based): chr2:99,594,113, G deleted on the plus strand (C on the coding strand, the reverse complement: AFF3 is on the minus strand); the first of 3 consecutive G bases (chr2:99,594,113-99,594,115); deleting any one gives the same sequence. VCF-style (leftmost placement, unchanged base first): chr2-99594112-TG-T. GRCh37 (hg19) VCF-style: chr2-100210574-TG-T.
Other names: c.1623del, p.Ser542fs (NM_001025108.2); c.1548del, p.Ser517fs (NM_002285.3); short protein forms S517fs, S542fs.
Identifiers: ClinVar variation 2444285 (VCV002444285.1), dbSNP rs2546110253, ClinGen allele CA2580068359.

ClinVar aggregate classification (germline): Likely pathogenic (1 of 4 stars; one submission).

Conditions:
KINSSHIP syndrome. Also called: MESOMELIC DYSPLASIA, STEICHEN-GERSDORF TYPE; MESOMELIC DYSPLASIA, AFF3-RELATED. Identifiers: MedGen C5543317, MONDO:0851095, OMIM 619297.

Submission:

3billion
Classification: Likely pathogenic for KINSSHIP syndrome. Last evaluated: 2023-02-23. Review status: criteria provided, single submitter. Criteria: ACMG Guidelines, 2015. Collection method: clinical testing. Allele origin: unknown. Affected: yes.
Comment: The variant is not observed in the gnomAD v2.1.1 dataset. This variant was predicted to result in a loss or disruption of normal protein function through nonsense-mediated decay (NMD) or protein truncation. Multiple pathogenic variants are reported downstream of the variant. Therefore, this variant is classified as Likely pathogenic according to the recommendation of ACMG/AMP guideline.